The following is an entry in ClinVar:

NM_004999.4(MYO6):c.2896C>G (p.Gln966Glu)

Gene: MYO6 (myosin VI; plus strand). Cytogenetic location: 6q14.1.
Variant type: single nucleotide variant.
Coding change: c.2896C>G on transcript NM_004999.4 (MANE Select); coding-DNA position 2896, C replaced by G.
Protein change: p.Gln966Glu; replaces glutamine 966 with glutamic acid.
Molecular consequence: missense variant. On other transcripts: non-coding transcript variant (1).
Genome position (GRCh38, 1-based): chr6:75,891,256, C>G. VCF-style: chr6-75891256-C-G. GRCh37 (hg19) VCF-style: chr6-76600973-C-G.
Other names: c.2896C>G, p.Gln966Glu (NM_001300899.2, NM_001368136.1, NM_001368137.1 and 2 more transcripts); c.2881C>G, p.Gln961Glu (NM_001368138.1); short protein forms Q961E, Q966E.
Identifiers: ClinVar variation 2574216 (VCV002574216.2), dbSNP rs756226466, ClinGen allele CA3897488.
Genomic context (GRCh38, chr6:75,891,256, plus strand): 5'-AAATTTTTGAAGAGTTTTCTATTTTTTATTAGGAAACTTGAGATGGAAGCAAAGAGAAAA[C>G]AAGAAGAAGAAGAGAGAAAGAAAAGGGAAGATGATGAAAAACGCATTCAAGTATGTACTT-3'
Protein context (NP_004990.3, residues 956-976): MKLEMEAKRK[Gln966Glu]EEEERKKRED

ClinVar aggregate classification (germline): Uncertain significance (1 of 4 stars; one submission).

Allele frequency attached by ClinVar (database versions not stated): gnomAD 0.00001; TOPMed 0.00002; ExAC 0.00003; gnomAD exomes 0.00003.
gnomAD v4.1: 41 of 1,607,954 alleles (0.0025%); highest among the groups gnomAD compares: Middle Eastern, 0.049%; no homozygotes.

Submission:

GeneDx
Classification: Uncertain significance. Last evaluated: 2024-07-16. Review status: criteria provided, single submitter. Criteria: GeneDx Variant Classification Process June 2021. Collection method: clinical testing. Allele origin: germline. Affected: yes.
Comment: In silico analysis indicates that this missense variant does not alter protein structure/function; Has not been previously published as pathogenic or benign to our knowledge